The following is an entry in ClinVar:

NM_000038.6(APC):c.4439A>C (p.Gln1480Pro)

Gene: APC (APC regulator of Wnt signaling pathway; plus strand). Cytogenetic location: 5q22.2.
Variant type: single nucleotide variant.
Coding change: c.4439A>C on transcript NM_000038.6 (MANE Select); coding-DNA position 4439, A replaced by C.
Protein change: p.Gln1480Pro; replaces glutamine 1480 with proline.
Molecular consequence: missense variant. On other transcripts: non-coding transcript variant (2).
Genome position (GRCh38, 1-based): chr5:112,840,033, A>C. VCF-style: chr5-112840033-A-C. GRCh37 (hg19) VCF-style: chr5-112175730-A-C.
Other names: c.4439A>C, p.Gln1480Pro (NM_001127510.3, NM_001354895.2, NM_001407450.1); c.4385A>C, p.Gln1462Pro (NM_001127511.3); c.4493A>C, p.Gln1498Pro (NM_001354896.2, NM_001407447.1, NM_001407448.1 and 1 more transcripts); c.4469A>C, p.Gln1490Pro (NM_001354897.2); c.4364A>C, p.Gln1455Pro (NM_001354898.2); c.4355A>C, p.Gln1452Pro (NM_001354899.2); c.4316A>C, p.Gln1439Pro (NM_001354900.2); c.4262A>C, p.Gln1421Pro (NM_001354901.2, NM_001407453.1); and 11 more; short protein forms Q1096P, Q1197P, Q1320P, Q1397P, Q1455P, Q1473P, Q1490P, Q1498P.
Identifiers: ClinVar variation 2566943 (VCV002566943.2), dbSNP rs2149914780, ClinGen allele CA16031049.
Genomic context (GRCh38, chr5:112,840,033, plus strand): 5'-CTGAAAAGAGAGAGAGTGGACCTAAGCAAGCTGCAGTAAATGCTGCAGTTCAGAGGGTCC[A>C]GGTTCTTCCAGATGCTGATACTTTATTACATTTTGCCACGGAAAGTACTCCAGATGGATT-3'
Protein context (NP_000029.2, residues 1470-1490): AAVNAAVQRV[Gln1480Pro]VLPDADTLLH

ClinVar aggregate classification (germline): Uncertain significance (1 of 4 stars; one submission).

Conditions:
Hereditary cancer-predisposing syndrome. Also called: Hereditary neoplastic syndrome; Hereditary Cancer Syndrome; Neoplastic Syndromes, Hereditary; Tumor predisposition. Identifiers: Orphanet 140162, MedGen C0027672, MeSH D009386, MONDO:0015356.

Submission:

Ambry Genetics
Classification: Uncertain significance for Hereditary cancer-predisposing syndrome. Last evaluated: 2023-03-20. Review status: criteria provided, single submitter. Criteria: Ambry Variant Classification Scheme 2023. Collection method: clinical testing. Allele origin: germline.
Comment: The p.Q1480P variant (also known as c.4439A>C), located in coding exon 15 of the APC gene, results from an A to C substitution at nucleotide position 4439. The glutamine at codon 1480 is replaced by proline, an amino acid with similar properties. This amino acid position is conserved. In addition, in silico predictors for this gene do not accurately predict pathogenicity. Since supporting evidence is limited at this time, the clinical significance of this alteration remains unclear.